The following is an entry in ClinVar:

ClinVar aggregate classification (germline): Benign/Likely benign. Review status: criteria provided, multiple submitters, no conflicts (2 of 4 stars). 10 submissions from 10 submitters: Benign (2); Likely benign (5). 3 of the submissions do not count toward it. Last evaluated 2026-02-02.

Conditions:
Bardet-Biedl syndrome 12 (BBS12). Identifiers: Orphanet 110, MedGen C1859570, MONDO:0014440, OMIM 615989.
Bardet-Biedl syndrome (BBS). Identifiers: Orphanet 110, MedGen C0752166, MONDO:0015229.

Allele frequency attached by ClinVar (database versions not stated): gnomAD exomes 0.00044 and 0.00117; ExAC 0.00139; ESP Exome Variant Server 0.00438; gnomAD 0.00477 and 0.00511; TOPMed 0.00510; 1000 Genomes Project 0.00539; 1000 Genomes Project 30x 0.00562.
gnomAD v4.1: 1,417 of 1,614,178 alleles (0.088%); highest among the groups gnomAD compares: African/African-American, 1.6%; 6 homozygotes.

Submissions (10):

Labcorp Genetics (formerly Invitae), Labcorp
Classification: Benign for Bardet-Biedl syndrome. Last evaluated: 2026-02-02. Review status: criteria provided, single submitter. Criteria: Invitae Variant Classification Sherloc (09022015). Collection method: clinical testing. Allele origin: germline.

Blueprint Genetics
Classification: Likely benign. Last evaluated: 2024-09-23. Review status: criteria provided, single submitter. Criteria: ACMG Guidelines, 2015. Collection method: clinical testing. Allele origin: germline.

Genetic Services Laboratory, University of Chicago
Classification: Benign. Last evaluated: 2021-12-20. Review status: criteria provided, single submitter. Criteria: ACMG Guidelines, 2015. Collection method: clinical testing. Allele origin: germline. Affected: no.

Genome-Nilou Lab
Classification: Likely benign for Bardet-Biedl syndrome 12. Last evaluated: 2021-07-14. Review status: criteria provided, single submitter. Criteria: ACMG Guidelines, 2015. Collection method: clinical testing. Allele origin: germline. Affected: no.

Illumina Laboratory Services, Illumina
Classification: Likely benign for Bardet-Biedl syndrome 12. Last evaluated: 2018-01-13. Review status: criteria provided, single submitter. Criteria: ICSL Variant Classification Criteria 13 December 2019. Collection method: clinical testing. Allele origin: germline.
Comment: This variant was observed in the ICSL laboratory as part of a predisposition screen in an ostensibly healthy population. It had not been previously curated by ICSL or reported in the Human Gene Mutation Database (HGMD: prior to June 1st, 2018), and was therefore a candidate for classification through an automated scoring system. Utilizing variant allele frequency, disease prevalence and penetrance estimates, and inheritance mode, an automated score was calculated to assess if this variant is too frequent to cause the disease. Based on the score and internal cut-off values, a variant classified as likely benign is not then subjected to further curation. The score for this variant resulted in a classification of likely benign for this disease.

Center for Pediatric Genomic Medicine, Children's Mercy Hospital and Clinics
Classification: Likely benign. Last evaluated: 2016-06-14. Review status: criteria provided, single submitter. Criteria: ACMG Guidelines, 2015. Collection method: clinical testing. Allele origin: germline.
ClinVar note: Converted during submission from Likely Benign to Likely benign.

Breakthrough Genomics
Classification: Likely benign. Review status: criteria provided, single submitter. Criteria: ACMG Guidelines, 2015. Collection method: not provided. Allele origin: germline. Inheritance: Autosomal recessive inheritance. Affected: yes.

Natera, Inc.
Classification: Benign for Bardet-Biedl syndrome type 12. Last evaluated: 2019-11-11. Review status: no assertion criteria provided. Collection method: clinical testing. Allele origin: germline. Not counted in ClinVar's aggregate classification.

Clinical Genetics, Academic Medical Center
Classification: Benign. Review status: no assertion criteria provided. Collection method: clinical testing. Allele origin: germline. Affected: yes. Study: VKGL Data-share Consensus. Not counted in ClinVar's aggregate classification.

Genome Diagnostics Laboratory, University Medical Center Utrecht
Classification: Benign. Review status: no assertion criteria provided. Collection method: clinical testing. Allele origin: germline. Affected: yes. Study: VKGL Data-share Consensus. Not counted in ClinVar's aggregate classification.

NM_152618.3(BBS12):c.1103G>A (p.Arg368His)

Gene: BBS12 (Bardet-Biedl syndrome 12; plus strand). Cytogenetic location: 4q27.
Variant type: single nucleotide variant.
Coding change: c.1103G>A on transcript NM_152618.3 (MANE Select); coding-DNA position 1103, G replaced by A.
Protein change: p.Arg368His; replaces arginine 368 with histidine.
Molecular consequence: missense variant.
Genome position (GRCh38, 1-based): chr4:122,742,995, G>A. VCF-style: chr4-122742995-G-A. GRCh37 (hg19) VCF-style: chr4-123664150-G-A.
Other names: c.1103G>A, p.Arg368His (NM_001178007.2); short protein forms R368H.
Identifiers: ClinVar variation 347498 (VCV000347498.28), dbSNP rs78457123, ClinGen allele CA3069375.